The following is an entry in ClinVar:

NM_032271.3(TRAF7):c.487G>A (p.Val163Met)

Gene: TRAF7 (TNF receptor associated factor 7; plus strand). Cytogenetic location: 16p13.3.
Variant type: single nucleotide variant.
Coding change: c.487G>A on transcript NM_032271.3 (MANE Select); coding-DNA position 487, G replaced by A.
Protein change: p.Val163Met; replaces valine 163 with methionine.
Molecular consequence: missense variant.
Genome position (GRCh38, 1-based): chr16:2,172,202, G>A. VCF-style: chr16-2172202-G-A. GRCh37 (hg19) VCF-style: chr16-2222203-G-A.
Other names: short protein forms V163M.
Identifiers: ClinVar variation 2585281 (VCV002585281.1), dbSNP rs751318317, ClinGen allele CA7834637.

ClinVar aggregate classification (germline): Uncertain significance (1 of 4 stars; one submission).

Conditions:
Cardiac, facial, and digital anomalies with developmental delay. Identifiers: Orphanet 592570, MedGen C4748484, MONDO:0032572, OMIM 618164.

Allele frequency attached by ClinVar (database versions not stated): TOPMed below 0.00001; gnomAD 0.00001; gnomAD exomes 0.00001; ExAC 0.00003.
gnomAD v4.1: 19 of 1,612,912 alleles (0.0012%); highest among the groups gnomAD compares: African/African-American, 0.0013%; no homozygotes.

Submission:

Neuberg Centre For Genomic Medicine, NCGM
Classification: Uncertain significance for Cardiac, facial, and digital anomalies with developmental delay. Review status: criteria provided, single submitter. Criteria: ACMG Guidelines, 2015. Collection method: clinical testing. Allele origin: germline. Inheritance: Autosomal dominant inheritance. Affected: yes.
Comment: The missense variant c.487G>A (p.Val163Met) in TRAF7 gene has not been reported previously as a pathogenic variant nor as a benign variant, to our knowledge. This variant is reported with the allele frequency (0.002%) in the gnomad and novel in 1000 genome database. The amino acid Valine at position 163 is changed to a Methionine changing protein sequence and it might alter its composition and physico-chemical properties. The variant is predicted to be damaging by both SIFT and PolyPhen2. The residue is conserved across species. For these reasons, this variant has been classified as Uncertain Significance.